The following is an entry in ClinVar:

ClinVar aggregate classification (germline): Pathogenic (1 of 4 stars; one submission).

Conditions:
L-2-hydroxyglutaric aciduria (L2HGA). Identifiers: Orphanet 79314, MedGen C1855995, MONDO:0009370, OMIM 236792, HP:0040144.

Submission:

Women's Health and Genetics/Laboratory Corporation of America, LabCorp
Classification: Pathogenic for L-2-hydroxyglutaric aciduria. Last evaluated: 2023-10-24. Review status: criteria provided, single submitter. Criteria: LabCorp Variant Classification Summary - May 2015. Collection method: clinical testing. Allele origin: germline.
Comment: Variant summary: L2HGDH c.1081delG (p.Ala361HisfsX22) results in a premature termination codon, predicted to cause a truncation of the encoded protein or absence of the protein due to nonsense mediated decay, which are commonly known mechanisms for disease. The variant was absent in 250638 control chromosomes (gnomAD). To our knowledge, no occurrence of c.1081delG in individuals affected with L-2 Aciduria and no experimental evidence demonstrating its impact on protein function have been reported. No submitters have cited clinical-significance assessments for this variant to ClinVar after 2014. Based on the evidence outlined above, the variant was classified as pathogenic.

NM_024884.3(L2HGDH):c.1081del (p.Ala361fs)

Gene: L2HGDH (L-2-hydroxyglutarate dehydrogenase; minus strand). Cytogenetic location: 14q21.3.
Variant type: Deletion.
Coding change: c.1081del on transcript NM_024884.3 (MANE Select); coding-DNA position 1081, one base deleted (G; older notation c.1081delG).
Protein change: p.Ala361fs; shifts the reading frame from alanine 361.
Molecular consequence: frameshift variant.
Genome position (GRCh38, 1-based): chr14:50,265,473, C deleted on the plus strand (G on the coding strand, the reverse complement: L2HGDH is on the minus strand); the first of 2 consecutive C bases (chr14:50,265,473-50,265,474); deleting either gives the same sequence. VCF-style (leftmost placement, unchanged base first): chr14-50265472-GC-G. GRCh37 (hg19) VCF-style: chr14-50732190-GC-G.
Other names: c.1080delG, p.Ala361Hisfs (NM_001425212.1); c.969delG, p.Ala324Hisfs (NM_001425213.1, NM_001425214.1); c.534delG, p.Ala179Hisfs (NM_001425215.1, NM_001425216.1, NM_001425217.1 and 1 more transcripts); c.1081delG (NM_024884.3); short protein forms A361fs.
Identifiers: ClinVar variation 2637446 (VCV002637446.1), dbSNP rs2503494605, ClinGen allele CA2695199820.
Genomic context (GRCh38, chr14:50,265,472, plus strand): 5'-GTTGCACCAAGAAAACATGCTTTATACATTTCAGTAACTCCATAGGAAAAATTCTGGGAT[GC>G]CAGTTTAATCAAGCCACTGAAAACAGAGAAAAAAAATCTTTATGAGAGAAAGGAATTCTT-3'